The following is an entry in ClinVar:

ClinVar aggregate classification (germline): Conflicting classifications of pathogenicity. Review status: criteria provided, conflicting classifications (1 of 4 stars). 5 submissions from 5 submitters: Uncertain significance (3); Likely benign (2). Last evaluated 2026-08-03.

Conditions:
Cardiovascular phenotype. Identifiers: MedGen CN230736.
TTN-related disorder. Also called: TTN-related condition; TTN-related disease; TTN-related disorders.

Allele frequency attached by ClinVar (database versions not stated): ESP Exome Variant Server 0.00008; gnomAD 0.00008; TOPMed 0.00011; 1000 Genomes Project 30x 0.00016; 1000 Genomes Project 0.00020; gnomAD exomes 0.00002; ExAC 0.00004.
gnomAD v4.1: 41 of 1,613,918 alleles (0.0025%); highest among the groups gnomAD compares: African/African-American, 0.048%; no homozygotes.

Submissions (5):

PreventionGenetics, part of Exact Sciences
Classification: Uncertain significance for TTN-related condition. Last evaluated: 2026-08-03. Review status: criteria provided, single submitter. Criteria: ACMG Guidelines, 2015. Collection method: clinical testing. Allele origin: germline.
Comment: The TTN c.92710A>G variant is predicted to result in the amino acid substitution p.Lys30904Glu. This variant was reported in an individual with dilated cardiomyopathy (Supplemental Table 3, Mazzarotto et al. 2020. PubMed ID: 31983221). This variant is reported in 0.033% of alleles in individuals of African descent in gnomAD. At this time, the clinical significance of this variant is uncertain due to the absence of conclusive functional and genetic evidence.

Women's Health and Genetics/Laboratory Corporation of America, LabCorp
Classification: Likely benign. Last evaluated: 2026-06-15. Review status: criteria provided, single submitter. Criteria: LabCorp Variant Classification Summary - May 2015. Collection method: clinical testing. Allele origin: germline.
Comment: Variant summary: TTN c.85006A>G (p.Lys28336Glu) results in a conservative amino acid change in the encoded protein sequence. Algorithms developed to predict the effect of missense changes on protein structure and function are either unavailable or do not agree on the potential impact of this missense change. The variant allele was found at a frequency of 2.5e-05 in 1613918 control chromosomes, predominantly at a frequency of 0.00048 within the African or African-American subpopulation in the gnomAD database. The observed variant frequency within African or African-American control individuals in the gnomAD database exceeds the estimated maximal expected allele frequency for disease-causing variants in TTN. c.85006A>G has been observed in an individual affected with Dilated Cardiomyopathy (Mazzarotto_2020). This report does not provide unequivocal conclusions about association of the variant with disease. To our knowledge, no experimental evidence demonstrating an impact on protein function has been reported. The following publication has been ascertained in the context of this evaluation (PMID: 31983221). ClinVar contains an entry for this variant (Variation ID: 517672). Based on the evidence outlined above, the variant was classified as likely benign.

Revvity Omics, Revvity
Classification: Uncertain significance. Last evaluated: 2022-11-08. Review status: criteria provided, single submitter. Criteria: ACMG Guidelines, 2015. Collection method: clinical testing. Allele origin: germline.

GeneDx
Classification: Likely benign. Last evaluated: 2020-01-03. Review status: criteria provided, single submitter. Criteria: GeneDx Variant Classification Process June 2021. Collection method: clinical testing. Allele origin: germline. Affected: yes.
Comment: This variant is associated with the following publications: (PMID: 31983221)

Ambry Genetics
Classification: Uncertain significance for Cardiovascular phenotype. Last evaluated: 2019-12-02. Review status: criteria provided, single submitter. Criteria: Ambry Variant Classification Scheme 2023. Collection method: clinical testing. Allele origin: germline.
Comment: The p.K21839E variant (also known as c.65515A>G), located in coding exon 166 of the TTN gene, results from an A to G substitution at nucleotide position 65515. The lysine at codon 21839 is replaced by glutamic acid, an amino acid with similar properties. This amino acid position is well conserved in available vertebrate species. In addition, this alteration is predicted to be tolerated by in silico analysis. Since supporting evidence is limited at this time, the clinical significance of this alteration remains unclear.

Literature cited by the submitters: PubMed 31983221 (cited by Women's Health and Genetics/Laboratory Corporation of America, LabCorp).

NM_001267550.2(TTN):c.92710A>G (p.Lys30904Glu)

Genes: TTN (titin; minus strand), TTN-AS1 (TTN antisense RNA 1; plus strand). Cytogenetic location: 2q31.2.
Variant type: single nucleotide variant.
Coding change: c.92710A>G on transcript NM_001267550.2 (MANE Select); coding-DNA position 92710, A replaced by G.
Protein change: p.Lys30904Glu; replaces lysine 30904 with glutamic acid.
Molecular consequence: missense variant.
Genome position (GRCh38, 1-based): chr2:178,548,916, T>C on the plus strand (A>G on the coding strand, the complement: TTN is on the minus strand). VCF-style: chr2-178548916-T-C. GRCh37 (hg19) VCF-style: chr2-179413643-T-C.
Other names: c.87787A>G, p.Lys29263Glu (NM_001256850.1); c.65515A>G, p.Lys21839Glu (NM_003319.4); c.85006A>G, p.Lys28336Glu (NM_133378.4); c.65890A>G, p.Lys21964Glu (NM_133432.3); c.66091A>G, p.Lys22031Glu (NM_133437.4); short protein forms K29263E, K30904E, K22031E, K28336E, K21839E, K21964E.
Identifiers: ClinVar variation 517672 (VCV000517672.9), dbSNP rs370265204, ClinGen allele CA1987418.